The following is an entry in ClinVar:

ClinVar aggregate classification (germline): Pathogenic (1 of 4 stars; one submission).

Submission:

Labcorp Genetics (formerly Invitae), Labcorp
Classification: Pathogenic. Last evaluated: 2022-09-01. Review status: criteria provided, single submitter. Criteria: Invitae Variant Classification Sherloc (09022015). Collection method: clinical testing. Allele origin: germline.
Comment: For these reasons, this variant has been classified as Pathogenic. This variant has not been reported in the literature in individuals affected with KIAA0556-related conditions. This variant is a gross deletion of the genomic region encompassing exon(s) 11 of the KIAA0556 gene. This deletion is out-of-frame, and is expected to create a premature termination codon and result in an absent or disrupted protein product. Loss-of-function variants in KIAA0556 are known to be pathogenic (PMID: 26714646, 27245168).

Literature cited by the submitters: PubMed 26714646; PubMed 27245168.

NC_000016.9:g.(?_27712890)_(27713036_?)del

Gene: KATNIP (katanin interacting protein; plus strand). Cytogenetic location: 16p12.1.
Variant type: Deletion.
Identifiers: ClinVar variation 2426096 (VCV002426096.4).